The following is an entry in ClinVar:

NM_001079.4(ZAP70):c.1083-11G>A

Gene: ZAP70 (zeta chain of T cell receptor associated protein kinase 70; plus strand). Cytogenetic location: 2q11.2.
Variant type: single nucleotide variant.
Coding change: c.1083-11G>A on transcript NM_001079.4 (MANE Select); 11 bases into the intron before coding-DNA position 1083, G replaced by A.
Molecular consequence: intron variant.
Genome position (GRCh38, 1-based): chr2:97,735,239, G>A. VCF-style: chr2-97735239-G-A. GRCh37 (hg19) VCF-style: chr2-98351702-G-A.
Other names: c.1083-11G>A (NM_001378594.1); c.162-11G>A (NM_207519.2).
Identifiers: ClinVar variation 1504299 (VCV001504299.5), dbSNP rs200597604, ClinGen allele CA52561430.

ClinVar aggregate classification (germline): Uncertain significance (1 of 4 stars; one submission).

Conditions:
Combined immunodeficiency due to ZAP70 deficiency (IMD48). Also called: ZAP70 Deficiency; Immunodeficiency 48. Identifiers: Orphanet 911, MedGen C2931299, MONDO:0010023, OMIM 269840.

Allele frequency attached by ClinVar (database versions not stated): gnomAD 0.00001; TOPMed 0.00001; gnomAD exomes 0.00001.
gnomAD v4.1: 22 of 1,613,598 alleles (0.0014%); highest among the groups gnomAD compares: Non-Finnish European, 0.0019%; no homozygotes.

Submission:

Labcorp Genetics (formerly Invitae), Labcorp
Classification: Uncertain significance for Combined immunodeficiency due to ZAP70 deficiency. Last evaluated: 2022-07-19. Review status: criteria provided, single submitter. Criteria: Invitae Variant Classification Sherloc (09022015). Collection method: clinical testing. Allele origin: germline.
Comment: This sequence change falls in intron 9 of the ZAP70 gene. It does not directly change the encoded amino acid sequence of the ZAP70 protein. This variant is not present in population databases (gnomAD no frequency). This variant has not been reported in the literature in individuals affected with ZAP70-related conditions. ClinVar contains an entry for this variant (Variation ID: 1504299). Algorithms developed to predict the effect of sequence changes on RNA splicing suggest that this variant may disrupt the consensus splice site. In summary, the available evidence is currently insufficient to determine the role of this variant in disease. Therefore, it has been classified as a Variant of Uncertain Significance.